The following is an entry in ClinVar:

NM_002971.6(SATB1):c.132G>T (p.Arg44Ser)

Gene: SATB1 (SATB homeobox 1; minus strand). Cytogenetic location: 3p24.3.
Variant type: single nucleotide variant.
Coding change: c.132G>T on transcript NM_002971.6 (MANE Select); coding-DNA position 132, G replaced by T.
Protein change: p.Arg44Ser; replaces arginine 44 with serine.
Molecular consequence: missense variant. On other transcripts: intron variant (1).
Genome position (GRCh38, 1-based): chr3:18,420,836, C>A on the plus strand (G>T on the coding strand, the complement: SATB1 is on the minus strand). VCF-style: chr3-18420836-C-A. GRCh37 (hg19) VCF-style: chr3-18462328-C-A.
Other names: c.132G>T, p.Arg44Ser (NM_001131010.4, NM_001195470.3, NM_001322871.2 and 4 more transcripts); c.-5-3758G>T (NM_001322876.2); short protein forms R44S.
Identifiers: ClinVar variation 4087801 (VCV004087801.1).

ClinVar aggregate classification (germline): Uncertain significance (1 of 4 stars; one submission).

gnomAD v4.1: 2 of 1,614,172 alleles (0.00012%); highest among the groups gnomAD compares: Non-Finnish European, 0.00017%; no homozygotes.

Submission:

GeneDx
Classification: Uncertain significance. Last evaluated: 2025-03-25. Review status: criteria provided, single submitter. Criteria: GeneDx Variant Classification Process June 2021. Collection method: clinical testing. Allele origin: germline. Affected: yes.
Comment: Not observed at significant frequency in large population cohorts (gnomAD); In silico analysis supports that this missense variant has a deleterious effect on protein structure/function; Has not been previously published as pathogenic or benign to our knowledge